The following is an entry in ClinVar:

NM_000426.4(LAMA2):c.7473_7475dup (p.Tyr2492Ter)

Gene: LAMA2 (laminin subunit alpha 2; plus strand). Cytogenetic location: 6q22.33.
Variant type: Duplication.
Coding change: c.7473_7475dup on transcript NM_000426.4 (MANE Select); coding-DNA positions 7473 to 7475, 3 bases duplicated (ATA; older notation c.7473_7475dupATA).
Protein change: p.Tyr2492Ter; replaces tyrosine 2492 with a stop codon.
Molecular consequence: nonsense.
Genome position (GRCh38, 1-based): chr6:129,478,714-129,478,716, ATA duplicated; duplicating any 3 consecutive bases within chr6:129,478,713-129,478,716 gives the same sequence; the c. name uses the placement nearest the transcript's 3' end. VCF-style (leftmost placement, unchanged base first): chr6-129478712-A-AAAT. GRCh37 (hg19) VCF-style: chr6-129799857-A-AAAT.
Other names: c.7461_7463dup, p.Tyr2488Ter (NM_001079823.2); short protein forms Y2488*, Y2492*.
Identifiers: ClinVar variation 969028 (VCV000969028.10), dbSNP rs1784205288, ClinGen allele CA1139659812.
Genomic context (GRCh38, chr6:129,478,712, plus strand): 5'-CTAATGATATTGCTTTTGCTTTTCATTTGACTATTCAATAGGCCAGAAGTAAATCTGAAG[A>AAAT]AATATTCCGGCTGCCTCAAAGATATTGAAATTTCAAGAACTCCGTACAATATACTCAGTA-3'

ClinVar aggregate classification (germline): Pathogenic (1 of 4 stars; one submission).

Conditions:
LAMA2-related muscular dystrophy (LAMA2-RD). Also called: Laminin alpha 2-related dystrophy. Identifiers: MedGen C5679788, MONDO:0100228.

Submission:

Labcorp Genetics (formerly Invitae), Labcorp
Classification: Pathogenic for LAMA2-related muscular dystrophy. Last evaluated: 2019-10-29. Review status: criteria provided, single submitter. Criteria: Invitae Variant Classification Sherloc (09022015). Collection method: clinical testing. Allele origin: germline.
Comment: This variant is not present in population databases (ExAC no frequency). For these reasons, this variant has been classified as Pathogenic. Loss-of-function variants in LAMA2 are known to be pathogenic (PMID: 18700894). This variant has been observed in individual(s) with muscular dystrophy (PMID: 27447704). This sequence change creates a premature translational stop signal (p.Tyr2492*) in the LAMA2 gene. It is expected to result in an absent or disrupted protein product.

Literature cited by the submitters: PubMed 18700894; PubMed 27447704.